The following is an entry in ClinVar:

NM_002528.7(NTHL1):c.288del (p.Asn96fs)

Gene: NTHL1 (nth like DNA glycosylase 1; minus strand). Cytogenetic location: 16p13.3.
Variant type: Deletion.
Coding change: c.288del on transcript NM_002528.7 (MANE Select); coding-DNA position 288, one base deleted (C; older notation c.288delC).
Protein change: p.Asn96fs; shifts the reading frame from asparagine 96.
Molecular consequence: frameshift variant. On other transcripts: intron variant (1).
Genome position (GRCh38, 1-based): chr16:2,046,194, G deleted on the plus strand (C on the coding strand, the reverse complement: NTHL1 is on the minus strand). VCF-style (leftmost placement, unchanged base first): chr16-2046193-TG-T. GRCh37 (hg19) VCF-style: chr16-2096194-TG-T.
Other names: c.288del, p.Asn96fs (NM_001318193.2); c.24+86del (NM_001318194.2); short protein forms N96fs.
Identifiers: ClinVar variation 3148701 (VCV003148701.1), dbSNP rs2548319666, ClinGen allele CA2825002410.
Genomic context (GRCh38, chr16:2,046,193, plus strand): 5'-GGGGGGCACTGGAGTCATAGCAGTGCTCAGTCCCCAGATGGTCCACAGGTGCATCCTTTT[TG>T]TTCCTCATGGCACGGATGTTGACCAGCTGTTGCTGCCAGTCCTGGGGCTCCCAGACTGGC-3'

ClinVar aggregate classification (germline): Pathogenic (1 of 4 stars; one submission).

Conditions:
Familial adenomatous polyposis 3. Also called: NTHL1-associated polyposis; NTHL1-Related Adenomatous Polyposis and Colorectal Cancer; NTHL1-related attenuated familial adenomatous polyposis; NTHL1 Tumor Syndrome. Identifiers: Orphanet 220460, Orphanet 454840, MedGen C4225157, MONDO:0014630, OMIM 616415.

Submission:

Myriad Genetics, Inc.
Classification: Pathogenic for Familial adenomatous polyposis 3. Last evaluated: 2024-02-13. Review status: criteria provided, single submitter. Criteria: Myriad Autosomal Dominant, Autosomal Recessive and X-Linked Classification Criteria (2023). Collection method: clinical testing. Allele origin: unknown.
Comment: This variant is considered pathogenic. This variant creates a frameshift predicted to result in premature protein truncation.